The following is an entry in ClinVar:

ClinVar aggregate classification (germline): Uncertain significance. Review status: criteria provided, multiple submitters, no conflicts (2 of 4 stars). 2 submissions from 2 submitters: Uncertain significance (2). Last evaluated 2024-01-22.

Conditions:
Episodic ataxia type 1 (EA1). Also called: ATAXIA, EPISODIC, WITH MYOKYMIA; MYOKYMIA WITH PERIODIC ATAXIA; Episodic ataxia/myokymia syndrome; PAROXYSMAL ATAXIA WITH NEUROMYOTONIA, HEREDITARY. Identifiers: Orphanet 37612, Orphanet 972, MedGen C1719788, MONDO:0008047, OMIM 160120.

Submissions (2):

Fulgent Genetics
Classification: Uncertain significance for Episodic ataxia type 1. Last evaluated: 2024-01-22. Review status: criteria provided, single submitter. Criteria: ACMG Guidelines, 2015. Collection method: clinical testing. Allele origin: germline.

GeneDx
Classification: Uncertain significance. Last evaluated: 2017-05-05. Review status: criteria provided, single submitter. Criteria: GeneDx Variant Classification (06012015). Collection method: clinical testing. Allele origin: germline. Affected: yes.
Comment: The S489N variant in the KCNA1 gene has not been reported previously as a pathogenic variant, nor as a benign variant, to our knowledge. The S489N variant is not observed in large population cohorts (Lek et al., 2016; 1000 Genomes Consortium et al., 2015; Exome Variant Server). The S489N variant is a conservative amino acid substitution, which is not likely to impact secondary protein structure as these residues share similar properties. This substitution occurs at a position that is conserved in mammals. In silico analysis is inconsistent in its predictions as to whether or not the variant is damaging to the protein structure/function. We interpret S489N as a variant of uncertain significance.

NM_000217.3(KCNA1):c.1466G>A (p.Ser489Asn)

Gene: KCNA1 (potassium voltage-gated channel subfamily A member 1; plus strand). Cytogenetic location: 12p13.32.
Variant type: single nucleotide variant.
Coding change: c.1466G>A on transcript NM_000217.3 (MANE Select); coding-DNA position 1466, G replaced by A.
Protein change: p.Ser489Asn; replaces serine 489 with asparagine.
Molecular consequence: missense variant.
Genome position (GRCh38, 1-based): chr12:4,912,844, G>A. VCF-style: chr12-4912844-G-A. GRCh37 (hg19) VCF-style: chr12-5022010-G-A.
Other names: short protein forms S489N.
Identifiers: ClinVar variation 430064 (VCV000430064.3), dbSNP rs1131691765, ClinGen allele CA383456849.